The following is an entry in ClinVar:

ClinVar aggregate classification (germline): Likely pathogenic. Review status: criteria provided, multiple submitters, no conflicts (2 of 4 stars). 2 submissions from 2 submitters: Likely pathogenic (2). Last evaluated 2022-09-06.

Conditions:
Autosomal recessive limb-girdle muscular dystrophy type R18 (LGMDR18). Also called: MUSCULAR DYSTROPHY, LIMB-GIRDLE, AUTOSOMAL RECESSIVE 18; Autosomal recessive limb-girdle muscular dystrophy type 2S; Limb-girdle muscular dystrophy, type 2S. Identifiers: Orphanet 369840, MedGen C4517996, MONDO:0014144, OMIM 615356.

Submissions (2):

Labcorp Genetics (formerly Invitae), Labcorp
Classification: Likely pathogenic for Autosomal recessive limb-girdle muscular dystrophy type R18. Last evaluated: 2022-09-06. Review status: criteria provided, single submitter. Criteria: Invitae Variant Classification Sherloc (09022015). Collection method: clinical testing. Allele origin: germline.
Comment: This sequence change affects a donor splice site in intron 10 of the TRAPPC11 gene. It is expected to disrupt RNA splicing. Variants that disrupt the donor or acceptor splice site typically lead to a loss of protein function (PMID: 16199547), and loss-of-function variants in TRAPPC11 are known to be pathogenic (PMID: 23830518, 26322222). This variant is not present in population databases (gnomAD no frequency). This variant has not been reported in the literature in individuals affected with TRAPPC11-related conditions. ClinVar contains an entry for this variant (Variation ID: 1325226). In summary, the currently available evidence indicates that the variant is pathogenic, but additional data are needed to prove that conclusively. Therefore, this variant has been classified as Likely Pathogenic. Algorithms developed to predict the effect of sequence changes on RNA splicing suggest that this variant may disrupt the consensus splice site.

Revvity Omics, Revvity
Classification: Likely pathogenic for Autosomal recessive limb-girdle muscular dystrophy type R18. Last evaluated: 2019-06-27. Review status: criteria provided, single submitter. Criteria: ACMG Guidelines, 2015. Collection method: clinical testing. Allele origin: germline.

Literature cited by the submitters: PubMed 16199547 (cited by Labcorp Genetics (formerly Invitae), Labcorp); PubMed 23830518 (cited by Labcorp Genetics (formerly Invitae), Labcorp); PubMed 26322222 (cited by Labcorp Genetics (formerly Invitae), Labcorp).

NM_021942.6(TRAPPC11):c.1113+2T>G

Gene: TRAPPC11 (trafficking protein particle complex subunit 11; plus strand). Cytogenetic location: 4q35.1.
Variant type: single nucleotide variant.
Coding change: c.1113+2T>G on transcript NM_021942.6 (MANE Select); the canonical splice donor site of the intron after coding-DNA position 1113, T replaced by G.
Molecular consequence: splice donor variant.
Genome position (GRCh38, 1-based): chr4:183,680,269, T>G. VCF-style: chr4-183680269-T-G. GRCh37 (hg19) VCF-style: chr4-184601422-T-G.
Other names: c.1113+2T>G (NM_199053.3).
Identifiers: ClinVar variation 1325226 (VCV001325226.9), dbSNP rs2111348918, ClinGen allele CA358863689.